The following is an entry in ClinVar:

ClinVar aggregate classification (germline): Pathogenic/Likely pathogenic. Review status: criteria provided, multiple submitters, no conflicts (2 of 4 stars). 8 submissions from 7 submitters: Pathogenic (2); Likely pathogenic (5). 1 of the submissions does not count toward it. Last evaluated 2025-02-27.

Conditions:
Heimler syndrome 1 (HMLR1). Also called: PEROXISOME BIOGENESIS DISORDER 1C. Identifiers: Orphanet 3220, MedGen C4551980, OMIM 234580, MONDO:0024544.
PEX1-related disorder. Also called: PEX1-related condition.
Peroxisome biogenesis disorder 1B (PBD1B). Also called: ADRENOLEUKODYSTROPHY, AUTOSOMAL NEONATAL; PEROXISOME BIOGENESIS DISORDER (NEONATAL ADRENOLEUKODYSTROPHY/INFANTILE REFSUM DISEASE); INFANTILE PHYTANIC ACID STORAGE DISEASE; PEROXISOME BIOGENESIS DISORDER (NALD/IRD); Refsum disease, infantile form; Infantile Refsum disease. Identifiers: Orphanet 44, MedGen C0282527, MONDO:0011101, OMIM 601539.
Peroxisome biogenesis disorder 1A (Zellweger) (PBD1A). Also called: Peroxisome biogenesis disorder 1a; Zellweger leukodystrophy. Identifiers: MedGen C4721541, MONDO:0008953, OMIM 214100.
Zellweger spectrum disorders (ZS). Also called: Zellweger Spectrum Disorder; Zellweger Spectrum; Zellweger syndrome; Zellweger Spectrum Disorder (ZSD). Identifiers: Orphanet 912, MedGen C0043459, MONDO:0019609.

Submissions (8):

Natera, Inc.
Classification: Likely pathogenic for Zellweger syndrome. Last evaluated: 2025-02-27. Review status: criteria provided, single submitter. Criteria: Natera Variant Classification Schema (03/2026). Collection method: clinical testing. Allele origin: germline.
Comment: The c.3115delA variant in PEX1 is a frameshift variant predicted to shift the reading frame beginning at codon 1039 and leads to a stop codon 9 codons downstream. This variant is expected to result in nonsense mediated decay, truncation, or a dysfunctional protein product. This variant is rare in the general population with a frequency below the threshold expected for the associated phenotype(s). Given the available evidence, this variant is classified as Likely Pathogenic.

Fulgent Genetics
Classification: Likely pathogenic for Peroxisome biogenesis disorder 1A (Zellweger); Heimler syndrome 1; Peroxisome biogenesis disorder 1B. Last evaluated: 2024-04-23. Review status: criteria provided, single submitter. Criteria: ACMG Guidelines, 2015. Collection method: clinical testing. Allele origin: germline.

Baylor Genetics
Classification: Likely pathogenic for Heimler syndrome 1. Last evaluated: 2023-06-06. Review status: criteria provided, single submitter. Criteria: ACMG Guidelines, 2015. Collection method: clinical testing. Allele origin: unknown.

CeGaT Center for Human Genetics Tuebingen
Classification: Pathogenic. Last evaluated: 2023-03-01. Review status: criteria provided, single submitter. Criteria: CeGaT Center For Human Genetics Tuebingen Variant Classification Criteria Version 2. Collection method: clinical testing. Allele origin: germline. Affected: yes. Observed: 1 variant allele.
Comment: PEX1: PVS1, PM2

Labcorp Genetics (formerly Invitae), Labcorp
Classification: Pathogenic for Zellweger spectrum disorders. Last evaluated: 2022-06-02. Review status: criteria provided, single submitter. Criteria: Invitae Variant Classification Sherloc (09022015). Collection method: clinical testing. Allele origin: germline.
Comment: For these reasons, this variant has been classified as Pathogenic. ClinVar contains an entry for this variant (Variation ID: 591802). This variant has not been reported in the literature in individuals affected with PEX1-related conditions. This variant is not present in population databases (gnomAD no frequency). This sequence change creates a premature translational stop signal (p.Thr1039Leufs*9) in the PEX1 gene. It is expected to result in an absent or disrupted protein product. Loss-of-function variants in PEX1 are known to be pathogenic (PMID: 9398847, 16086329, 16141001, 21031596, 26387595, 31831025).

Blueprint Genetics
Classification: Likely pathogenic for PEX1-related disorders. Last evaluated: 2021-03-08. Review status: criteria provided, single submitter. Criteria: ACMG Guidelines, 2015. Collection method: clinical testing. Allele origin: germline. Affected: yes. Observed: 2 variant alleles.

Baylor Genetics
Classification: Likely pathogenic for Peroxisome biogenesis disorder 1A (Zellweger); Peroxisome biogenesis disorder 1B. Review status: criteria provided, single submitter. Criteria: ACMG Guidelines, 2015. Collection method: clinical testing. Allele origin: germline.

Gharavi Laboratory, Columbia University
Classification: Uncertain significance. Last evaluated: 2018-09-16. Review status: no assertion criteria provided. Criteria: ACMG Guidelines, 2015. Collection method: research. Allele origin: germline. Affected: yes. Not counted in ClinVar's aggregate classification.

Literature cited by the submitters: PubMed 9398847 (cited by Labcorp Genetics (formerly Invitae), Labcorp); PubMed 16086329 (cited by Labcorp Genetics (formerly Invitae), Labcorp); PubMed 16141001 (cited by Labcorp Genetics (formerly Invitae), Labcorp); PubMed 21031596 (cited by Labcorp Genetics (formerly Invitae), Labcorp); PubMed 26387595 (cited by Labcorp Genetics (formerly Invitae), Labcorp); PubMed 31831025 (cited by Labcorp Genetics (formerly Invitae), Labcorp).

NM_000466.3(PEX1):c.3115del (p.Thr1039fs)

Genes: GATAD1 (GATA zinc finger domain containing 1; plus strand), PEX1 (peroxisomal biogenesis factor 1; minus strand). Cytogenetic location: 7q21.2.
Variant type: Deletion.
Coding change: c.3115del on transcript NM_000466.3 (MANE Select); coding-DNA position 3115, one base deleted (A; older notation c.3115delA).
Protein change: p.Thr1039fs; shifts the reading frame from threonine 1039.
Molecular consequence: frameshift variant.
Genome position (GRCh38, 1-based): chr7:92,493,045, T deleted on the plus strand (A on the coding strand, the reverse complement: PEX1 is on the minus strand); the first of 2 consecutive T bases (chr7:92,493,045-92,493,046); deleting either gives the same sequence. VCF-style (leftmost placement, unchanged base first): chr7-92493044-GT-G. GRCh37 (hg19) VCF-style: chr7-92122358-GT-G.
Other names: c.2944del, p.Thr982fs (NM_001282677.2); c.2491del, p.Thr831fs (NM_001282678.2); c.3115delA (NM_000466.2); short protein forms T831fs, T982fs, T1039fs.
Identifiers: ClinVar variation 591802 (VCV000591802.40), dbSNP rs1562846257, ClinGen allele CA456481300.